The following is an entry in ClinVar:

NM_022051.3(EGLN1):c.1213A>T (p.Thr405Ser)

Gene: EGLN1 (egl-9 family hypoxia inducible factor 1; minus strand). Cytogenetic location: 1q42.2.
Variant type: single nucleotide variant.
Coding change: c.1213A>T on transcript NM_022051.3 (MANE Select); coding-DNA position 1213, A replaced by T.
Protein change: p.Thr405Ser; replaces threonine 405 with serine.
Molecular consequence: missense variant. On other transcripts: 3 prime UTR variant (1), intron variant (1).
Genome position (GRCh38, 1-based): chr1:231,367,572, T>A on the plus strand (A>T on the coding strand, the complement: EGLN1 is on the minus strand). VCF-style: chr1-231367572-T-A. GRCh37 (hg19) VCF-style: chr1-231503318-T-A.
Other names: c.*38A>T (NM_001377261.1); c.1149-1097A>T (NM_001377260.1); short protein forms T405S.
Identifiers: ClinVar variation 4842506 (VCV004842506.1).

ClinVar aggregate classification (germline): Uncertain significance (1 of 4 stars; one submission).

Submission:

Ambry Genetics
Classification: Uncertain significance. Last evaluated: 2025-12-29. Review status: criteria provided, single submitter. Criteria: Ambry Variant Classification Scheme 2023. Collection method: clinical testing. Allele origin: germline.
Comment: The p.T405S variant (also known as c.1213A>T), located in coding exon 4 of the EGLN1 gene, results from an A to T substitution at nucleotide position 1213. The threonine at codon 405 is replaced by serine, an amino acid with similar properties. This amino acid position is conserved. In addition, the in silico prediction for this alteration is inconclusive. Based on the available evidence, the clinical significance of this variant remains unclear.